The following is an entry in ClinVar:

ClinVar aggregate classification (germline): Uncertain significance. Review status: criteria provided, multiple submitters, no conflicts (2 of 4 stars). 2 submissions from 2 submitters: Uncertain significance (2). Last evaluated 2025-05-09.

Conditions:
Intellectual developmental disorder, autosomal dominant 30, with speech delay and behavioral abnormalities. Also called: Intellectual disability, autosomal dominant 30. Identifiers: Orphanet 436151, MedGen C4015167, MONDO:0014486, OMIM 616083.

gnomAD v4.1: 3 of 1,592,344 alleles (0.00019%); highest among the groups gnomAD compares: Non-Finnish European, 0.000085%; no homozygotes.

Submissions (2):

Institute of Immunology and Genetics Kaiserslautern
Classification: Uncertain significance for Intellectual developmental disorder, autosomal dominant 30, with speech delay and behavioral abnormalities. Last evaluated: 2025-05-09. Review status: criteria provided, single submitter. Criteria: ACMG Guidelines, 2015. Collection method: clinical testing. Allele origin: germline.
Comment: ACMG Criteria: PM2_P; Variant was found in heterozygous state.

Blueprint Genetics
Classification: Uncertain significance. Last evaluated: 2024-05-28. Review status: criteria provided, single submitter. Criteria: ACMG Guidelines, 2015. Collection method: clinical testing. Allele origin: germline.

NM_001370100.5(ZMYND11):c.1500+6G>C

Genes: ZMYND11 (zinc finger MYND-type containing 11; plus strand), LOC126860802 (BRD4-independent group 4 enhancer GRCh37_chr10:294268-295467; plus strand). Cytogenetic location: 10p15.3.
Variant type: single nucleotide variant.
Coding change: c.1500+6G>C on transcript NM_001370100.5 (MANE Select); 6 bases into the intron after coding-DNA position 1500, G replaced by C.
Molecular consequence: intron variant.
Genome position (GRCh38, 1-based): chr10:248,614, G>C. VCF-style: chr10-248614-G-C. GRCh37 (hg19) VCF-style: chr10-294554-G-C.
Other names: c.1338+6G>C (NM_001370103.2, NM_001370104.2, NM_001370105.2 and 6 more transcripts); c.1500+6G>C (NM_006624.7, NM_001370098.2, NM_001370097.3 and 4 more transcripts); c.1353+6G>C (NM_001370119.2); c.1380+6G>C (NM_001370118.2); c.1407+6G>C (NM_001370113.2, NM_001370114.2); c.1449+6G>C (NM_001330057.3, NM_001370112.2); c.1497+6G>C (NM_001370115.2, NM_212479.4); c.1335+6G>C (NM_001202466.3, NM_001370111.2); and 8 more.
Identifiers: ClinVar variation 4074724 (VCV004074724.2).